The following is an entry in ClinVar:

ClinVar aggregate classification (germline): Uncertain significance. Review status: criteria provided, multiple submitters, no conflicts (2 of 4 stars). 4 submissions from 4 submitters: Uncertain significance (4). Last evaluated 2026-08-31.

Conditions:
MOCS1-related disorder. Also called: MOCS1-related condition.
Inborn genetic diseases. Identifiers: MedGen C0950123, MeSH D030342.
Sulfite oxidase deficiency due to molybdenum cofactor deficiency type A. Also called: Molybdenum Cofactor Deficiency A; Molybdenum cofactor deficiency, complementation group A. Identifiers: Orphanet 308386, Orphanet 833, MedGen C1854988, MONDO:0009643, OMIM 252150.

gnomAD v4.1: 20 of 1,552,538 alleles (0.0013%); highest among the groups gnomAD compares: Admixed American, 0.029%; no homozygotes.

Submissions (4):

Ambry Genetics
Classification: Uncertain significance for Inborn genetic diseases. Last evaluated: 2026-08-31. Review status: criteria provided, single submitter. Criteria: Ambry Variant Classification Scheme 2023. Collection method: clinical testing. Allele origin: germline.
Comment: The c.77C>A (p.P26Q) alteration is located in exon 1 (coding exon 1) of the MOCS1 gene. This alteration results from a C to A substitution at nucleotide position 77, causing the proline (P) at amino acid position 26 to be replaced by a glutamine (Q). Based on data from gnomAD, the A allele has an overall frequency of 0.003% (4/146330) total alleles studied. The highest observed frequency was 0.016% (4/25810) of Latino alleles. Based on insufficient or conflicting evidence, the clinical significance of this alteration remains unclear.

PreventionGenetics, part of Exact Sciences
Classification: Uncertain significance for MOCS1-related condition. Last evaluated: 2025-01-21. Review status: criteria provided, single submitter. Criteria: ACMG Guidelines, 2015. Collection method: clinical testing. Allele origin: germline.
Comment: The MOCS1 c.77C>A variant is predicted to result in the amino acid substitution p.Pro26Gln. To our knowledge, this variant has not been reported in the literature. This variant is reported in 0.015% of alleles in individuals of Latino descent in gnomAD. At this time, the clinical significance of this variant is uncertain due to the absence of conclusive functional and genetic evidence.

Labcorp Genetics (formerly Invitae), Labcorp
Classification: Uncertain significance for Sulfite oxidase deficiency due to molybdenum cofactor deficiency type A. Last evaluated: 2022-07-12. Review status: criteria provided, single submitter. Criteria: Invitae Variant Classification Sherloc (09022015). Collection method: clinical testing. Allele origin: germline.
Comment: This sequence change replaces proline, which is neutral and non-polar, with glutamine, which is neutral and polar, at codon 26 of the MOCS1 protein (p.Pro26Gln). The frequency data for this variant in the population databases is considered unreliable, as metrics indicate poor data quality at this position in the gnomAD database. This variant has not been reported in the literature in individuals affected with MOCS1-related conditions. ClinVar contains an entry for this variant (Variation ID: 1370563). Algorithms developed to predict the effect of missense changes on protein structure and function are either unavailable or do not agree on the potential impact of this missense change (SIFT: "Tolerated"; PolyPhen-2: "Probably Damaging"; Align-GVGD: "Class C0"). In summary, the available evidence is currently insufficient to determine the role of this variant in disease. Therefore, it has been classified as a Variant of Uncertain Significance.

Breakthrough Genomics
Classification: Uncertain significance. Review status: criteria provided, single submitter. Criteria: ACMG Guidelines, 2015. Collection method: not provided. Allele origin: germline. Inheritance: Autosomal recessive inheritance. Affected: yes.

NM_001358530.2(MOCS1):c.77C>A (p.Pro26Gln)

Gene: MOCS1 (molybdenum cofactor synthesis 1; minus strand). Cytogenetic location: 6p21.2.
Variant type: single nucleotide variant.
Coding change: c.77C>A on transcript NM_001358530.2 (MANE Select); coding-DNA position 77, C replaced by A.
Protein change: p.Pro26Gln; replaces proline 26 with glutamine.
Molecular consequence: missense variant. On other transcripts: 5 prime UTR variant (2), non-coding transcript variant (1).
Genome position (GRCh38, 1-based): chr6:39,934,341, G>T on the plus strand (C>A on the coding strand, the complement: MOCS1 is on the minus strand). VCF-style: chr6-39934341-G-T. GRCh37 (hg19) VCF-style: chr6-39902080-G-T.
Other names: c.77C>A (NM_001358530.1, NM_001075098.3); c.77C>A, p.Pro26Gln (NM_001075098.4, NM_001358529.2); c.-58C>A (NM_001358531.2, NM_001358533.2); short protein forms P26Q.
Identifiers: ClinVar variation 1370563 (VCV001370563.8), dbSNP rs749631517, ClinGen allele CA3796503.